The following is an entry in ClinVar:

NM_017934.7(PHIP):c.3043_3045dup (p.Leu1015_Pro1016insLeu)

Genes: IRAK1BP1 (interleukin 1 receptor associated kinase 1 binding protein 1; plus strand), PHIP (PHIP subunit of CUL4-Ring ligase complex; minus strand). Cytogenetic location: 6q14.1.
Variant type: Duplication.
Coding change: c.3043_3045dup on transcript NM_017934.7 (MANE Select); coding-DNA positions 3043 to 3045, 3 bases duplicated (TTA; older notation c.3043_3045dupTTA).
Protein change: p.Leu1015_Pro1016insLeu.
Molecular consequence: inframe insertion.
Genome position (GRCh38, 1-based): chr6:78,970,126-78,970,128, TAA duplicated on the plus strand (TTA on the coding strand, the reverse complement: PHIP is on the minus strand); duplicating any 3 consecutive bases within chr6:78,970,126-78,970,129 gives the same sequence; the c. name uses the placement nearest the transcript's 3' end. VCF-style (leftmost placement, unchanged base first): chr6-78970125-G-GTAA. GRCh37 (hg19) VCF-style: chr6-79679842-G-GTAA.
Identifiers: ClinVar variation 3345375 (VCV003345375.1).

ClinVar aggregate classification (germline): Uncertain significance (0 of 4 stars; one submission).

Conditions:
PHIP-related disorder. Also called: PHIP-related condition; PHIP-related disorders.

Submission:

PreventionGenetics, part of Exact Sciences
Classification: Uncertain significance for PHIP-related condition. Last evaluated: 2024-04-12. Review status: no assertion criteria provided. Collection method: clinical testing. Allele origin: germline.
Comment: The PHIP c.3043_3045dupTTA variant is predicted to result in an in-frame duplication (p.Leu1015dup). To our knowledge, this variant has not been reported in the literature or in a large population database, indicating this variant is rare. At this time, the clinical significance of this variant is uncertain due to the absence of conclusive functional and genetic evidence.